The following is an entry in ClinVar:

NM_002335.4(LRP5):c.1067C>T (p.Ser356Leu)

Gene: LRP5 (LDL receptor related protein 5; plus strand). Cytogenetic location: 11q13.2.
Variant type: single nucleotide variant.
Coding change: c.1067C>T on transcript NM_002335.4 (MANE Select); coding-DNA position 1067, C replaced by T.
Protein change: p.Ser356Leu; replaces serine 356 with leucine.
Molecular consequence: missense variant. On other transcripts: 5 prime UTR variant (1).
Genome position (GRCh38, 1-based): chr11:68,386,367, C>T. VCF-style: chr11-68386367-C-T. GRCh37 (hg19) VCF-style: chr11-68153835-C-T.
Other names: c.1067C>T (NM_002335.3); c.-699C>T (NM_001291902.2); short protein forms S356L.
Identifiers: ClinVar variation 1406826 (VCV001406826.9), dbSNP rs1158745675, ClinGen allele CA381612167.

ClinVar aggregate classification (germline): Conflicting classifications of pathogenicity. Review status: criteria provided, conflicting classifications (1 of 4 stars). 4 submissions from 4 submitters: Pathogenic (1); Likely pathogenic (2); Uncertain significance (1). Last evaluated 2026-01-20.

Conditions:
Osteoporosis with pseudoglioma (OPPG). Also called: osteoporosis-pseudoglioma syndrome. Identifiers: Orphanet 2788, MedGen C0432252, MONDO:0009820, OMIM 259770.
LRP5-related disorder. Also called: LRP5-related condition.
Autosomal dominant LRP5-related disorders.

Allele frequency attached by ClinVar (database versions not stated): gnomAD exomes 0.00001.
gnomAD v4.1: 15 of 1,613,388 alleles (0.00093%); highest among the groups gnomAD compares: African/African-American, 0.008%; no homozygotes.

Submissions (4):

Variantyx, Inc.
Classification: Pathogenic for Autosomal dominant LRP5-related disorders. Last evaluated: 2026-01-20. Review status: criteria provided, single submitter. Criteria: Variantyx Assertion Criteria 2022. Collection method: clinical testing. Allele origin: germline. Inheritance: Autosomal dominant inheritance. Affected: yes.
Comment: This is a nonsynonymous variant in the LRP5 gene (OMIM: 603506). Pathogenic variants in this gene have been associated with autosomal dominant LRP5-related disorders. These conditions span a broad range of complex phenotypes, most commonly involving bone mineral density abnormalities, but can also include abnormalities in retinal vascular development and, in some cases, hepatic or renal cysts (PMID: 11719191, 24706814, 25920554). This variant has been reported in the heterozygous state in at least two unrelated affected individuals, with early-onset or idiopathic osteoporosis (PMID: 33118644, 16234968) (PS4). Functional studies have shown that this variant alters LRP5 protein function (PMID: 16252235, 16234968) (PS3_Moderate), and multiple computational algorithms predict a deleterious effect for this variant (REVEL score: 0.912) (PP3). Moreover, this variant lies within a known hotspot for pathogenic variants or a well-established critical functional domain of the LRP5 protein (PMID: 15143163, 16234968) (PM1). It has a 0.0080% maximum allele frequency in non-founder control populations. Inheritance from an unaffected or mildly affected parent has been reported, consistent with incomplete penetrance and variable expressivity (PMID:15824851). Based on the current evidence, this variant is classified as pathogenic, with reduced penetrance, for autosomal dominant LRP5-related disorders.

Labcorp Genetics (formerly Invitae), Labcorp
Classification: Uncertain significance. Last evaluated: 2025-07-10. Review status: criteria provided, single submitter. Criteria: Invitae Variant Classification Sherloc (09022015). Collection method: clinical testing. Allele origin: germline.
Comment: This sequence change replaces serine, which is neutral and polar, with leucine, which is neutral and non-polar, at codon 356 of the LRP5 protein (p.Ser356Leu). The frequency data for this variant in the population databases is considered unreliable, as metrics indicate poor data quality at this position in the gnomAD database. This missense change has been observed in individual(s) with clinical features of LRP5-related conditions (PMID: 16234968, 16252235, 33118644; internal data). In at least one individual the data is consistent with being in trans (on the opposite chromosome) from a pathogenic variant. ClinVar contains an entry for this variant (Variation ID: 1406826). Invitae Evidence Modeling of protein sequence and biophysical properties (such as structural, functional, and spatial information, amino acid conservation, physicochemical variation, residue mobility, and thermodynamic stability) has been performed for this missense variant. However, the output from this modeling did not meet the statistical confidence thresholds required to predict the impact of this variant on LRP5 protein function. Experimental studies have shown that this missense change affects LRP5 function (PMID: 16234968, 16252235). In summary, the available evidence is currently insufficient to determine the role of this variant in disease. Therefore, it has been classified as a Variant of Uncertain Significance.

Women's Health and Genetics/Laboratory Corporation of America, LabCorp
Classification: Likely pathogenic for Osteoporosis with pseudoglioma. Last evaluated: 2023-08-08. Review status: criteria provided, single submitter. Criteria: LabCorp Variant Classification Summary - May 2015. Collection method: clinical testing. Allele origin: germline.
Comment: Variant summary: LRP5 c.1067C>T (p.Ser356Leu) results in a non-conservative amino acid change in the encoded protein sequence. Five of five in-silico tools predict a damaging effect of the variant on protein function. The variant allele was found at a frequency of 4e-06 in 250786 control chromosomes (gnomAD). c.1067C>T has been reported in the literature as a compound heterozygous genotype in at least two individuals affected with autosomal recessive Osteoporosis-Pseudoglioma Syndrome (e.g. Ai_2005, Laine_2011). It has also been reported in the heterozygous state in individuals affected with idiopathic/early-onset osteoporosis although an association of this phenotype with this gene and/or the underlying variant(s) has not been unequivocally established (e.g. Crabbe_2005, Sturznickel_2021). Specifically, in one such family, although three affected individuals harbored the variant, one affected individual only had the reference allele, and in another individual with early onset osteoporosis, other idiopathic causes such as menopause, vitamin D deficiency, and/or secondary hyperparathyroidism have not been entirely excluded. These data indicate that the variant is likely to be associated with autosomal recessive Osteoporosis-Pseudoglioma Syndrome and an unclear association with idiopathic osteoporosis. At least two publications report experimental evidence evaluating an impact on protein function in-vitro (e.g. Ai_2005, Crabbe_2005). Although the studies showed mixed results with respect to protein expression and secretion, both found the variant resulted in a reduced capacity to transduce Wnt signalling, with the most pronounced variant effect resulting in <10% of normal activity (Ai_2005). The following publications have been ascertained in the context of this evaluation (PMID: 16252235, 16234968, 21407258, 33118644). One submitter has cited a clinical-significance assessment for this variant to ClinVar after 2014 and has classified the variant as uncertain significance. Based on the evidence outlined above, the variant was classified as likely pathogenic for autosomal recessive Osteoporosis-Pseudoglioma Syndrome.

Blueprint Genetics
Classification: Likely pathogenic for LRP5-related disorders. Last evaluated: 2022-06-20. Review status: criteria provided, single submitter. Criteria: ACMG Guidelines, 2015. Collection method: clinical testing. Allele origin: germline. Affected: yes. Observed: 1 variant allele.

Literature cited by the submitters: PubMed 16252235 (cited by 3 submitters); PubMed 16234968 (cited by 3 submitters); PubMed 21407258 (cited by Variantyx, Inc. and Women's Health and Genetics/Laboratory Corporation of America, LabCorp); PubMed 15143163 (cited by Variantyx, Inc.); PubMed 33118644 (cited by 3 submitters).